The following is an entry in ClinVar:

NM_015021.3(ZNF292):c.238G>A (p.Val80Met)

Gene: ZNF292 (zinc finger protein 292; plus strand). Cytogenetic location: 6q14.3.
Variant type: single nucleotide variant.
Coding change: c.238G>A on transcript NM_015021.3 (MANE Select); coding-DNA position 238, G replaced by A.
Protein change: p.Val80Met; replaces valine 80 with methionine.
Molecular consequence: missense variant. On other transcripts: 5 prime UTR variant (1).
Genome position (GRCh38, 1-based): chr6:87,215,972, G>A. VCF-style: chr6-87215972-G-A. GRCh37 (hg19) VCF-style: chr6-87925690-G-A.
Other names: c.-183G>A (NM_001351444.2); short protein forms V80M.
Identifiers: ClinVar variation 5039635 (VCV005039635.1).
Genomic context (GRCh38, chr6:87,215,972, plus strand): 5'-GAATATGCAGAGAAATGGAAAACTTCAGAAGATCCTTTACCTTTATTGGAGGTATACACA[G>A]TGGCTATCCAAAGTTATGTTAAAGCCCGACCTTATCTTACCTCTGAATGTGAAAATGTAG-3'
Protein context (NP_055836.1, residues 70-90): DPLPLLEVYT[Val80Met]AIQSYVKARP

ClinVar aggregate classification (germline): Uncertain significance (1 of 4 stars; one submission).

Submission:

CeGaT Center for Human Genetics Tuebingen
Classification: Uncertain significance. Last evaluated: 2026-08-01. Review status: criteria provided, single submitter. Criteria: CeGaT Center For Human Genetics Tuebingen Variant Classification Criteria Version 2. Collection method: clinical testing. Allele origin: germline. Affected: yes. Observed: 1 variant allele.
Comment: ZNF292: PM2